The following is an entry in ClinVar:

NM_024675.4(PALB2):c.129G>C (p.Lys43Asn)

Gene: PALB2 (partner and localizer of BRCA2; minus strand). Cytogenetic location: 16p12.2.
Variant type: single nucleotide variant.
Coding change: c.129G>C on transcript NM_024675.4 (MANE Select); coding-DNA position 129, G replaced by C.
Protein change: p.Lys43Asn; replaces lysine 43 with asparagine.
Molecular consequence: missense variant.
Genome position (GRCh38, 1-based): chr16:23,637,932, C>G on the plus strand (G>C on the coding strand, the complement: PALB2 is on the minus strand). VCF-style: chr16-23637932-C-G. GRCh37 (hg19) VCF-style: chr16-23649253-C-G.
Other names: c.69G>C, p.Lys23Asn (NM_001407296.1); c.129G>C, p.Lys43Asn (NM_001407297.1, NM_001407298.1, NM_001407299.1 and 3 more transcripts); c.-757G>C (NM_001407304.1, NM_001407305.1, NM_001407306.1 and 5 more transcripts); short protein forms K23N, K43N.
Identifiers: ClinVar variation 1769328 (VCV001769328.2), dbSNP rs551111938, ClinGen allele CA395139371.
Genomic context (GRCh38, chr16:23,637,932, plus strand): 5'-GAGATCCTGCTGAGACAAACAATCTTGTTCTTCTACTGTTTTCTTAATAGAATGCTTAAT[C>G]TTTTCAGCTCTTTGGGCACGCTAGAGGAGACAAAAACAGCCCCAGAAATACGTTTTCTTT-3'
Protein context (NP_078951.2, residues 33-53): ARLQRAQRAE[Lys43Asn]IKHSIKKTVE

ClinVar aggregate classification (germline): Uncertain significance (1 of 4 stars; one submission).

Conditions:
Hereditary cancer-predisposing syndrome. Also called: Hereditary Cancer Syndrome; Hereditary neoplastic syndrome; Neoplastic Syndromes, Hereditary; Tumor predisposition. Identifiers: Orphanet 140162, MedGen C0027672, MeSH D009386, MONDO:0015356.

Submission:

Ambry Genetics
Classification: Uncertain significance for Hereditary cancer-predisposing syndrome. Last evaluated: 2021-03-22. Review status: criteria provided, single submitter. Criteria: Ambry Variant Classification Scheme 2023. Collection method: clinical testing. Allele origin: germline.
Comment: The p.K43N variant (also known as c.129G>C), located in coding exon 3 of the PALB2 gene, results from a G to C substitution at nucleotide position 129. The lysine at codon 43 is replaced by asparagine, an amino acid with similar properties. This amino acid position is well conserved in available vertebrate species. In addition, this alteration is predicted to be tolerated by in silico analysis. Since supporting evidence is limited at this time, the clinical significance of this alteration remains unclear.